The following is an entry in ClinVar:

ClinVar aggregate classification (germline): Benign. Review status: criteria provided, multiple submitters, no conflicts (2 of 4 stars). 6 submissions from 6 submitters: Benign (6). Last evaluated 2026-02-03.

Conditions:
Inborn genetic diseases. Identifiers: MedGen C0950123, MeSH D030342.
Developmental and epileptic encephalopathy, 33 (DEE33). Also called: Epileptic encephalopathy, early infantile, 33. Identifiers: Orphanet 442835, MedGen C4225337, MONDO:0014625, OMIM 616409.

Allele frequency attached by ClinVar (database versions not stated): ESP Exome Variant Server 0.03363; gnomAD 0.04304 and 0.04527; TOPMed 0.04563; 1000 Genomes Project 0.07967; 1000 Genomes Project 30x 0.08182; ExAC 0.08805; gnomAD exomes 0.01128 and 0.02884.
gnomAD v4.1: 22,207 of 1,477,194 alleles (1.5%); highest among the groups gnomAD compares: South Asian, 14%; 1,651 homozygotes.

Submissions (6):

Labcorp Genetics (formerly Invitae), Labcorp
Classification: Benign for Developmental and epileptic encephalopathy, 33. Last evaluated: 2026-02-03. Review status: criteria provided, single submitter. Criteria: Invitae Variant Classification Sherloc (09022015). Collection method: clinical testing. Allele origin: germline.

Athena Diagnostics
Classification: Benign. Last evaluated: 2024-10-21. Review status: criteria provided, single submitter. Criteria: Athena Diagnostics Criteria. Collection method: clinical testing. Allele origin: unknown.

Mayo Clinic Laboratories, Mayo Clinic
Classification: Benign. Last evaluated: 2018-09-07. Review status: criteria provided, single submitter. Criteria: ACMG Guidelines, 2015. Collection method: clinical testing. Allele origin: germline. Observed: 24 variant alleles.

Ambry Genetics
Classification: Benign for Inborn genetic diseases. Last evaluated: 2016-03-18. Review status: criteria provided, single submitter. Criteria: Ambry Variant Classification Scheme 2023. Collection method: clinical testing. Allele origin: germline.

GeneDx
Classification: Benign. Last evaluated: 2016-01-26. Review status: criteria provided, single submitter. Criteria: GeneDx Variant Classification (06012015). Collection method: clinical testing. Allele origin: germline. Affected: yes.
Comment: This variant is considered likely benign or benign based on one or more of the following criteria: it is a conservative change, it occurs at a poorly conserved position in the protein, it is predicted to be benign by multiple in silico algorithms, and/or has population frequency not consistent with disease.

Breakthrough Genomics
Classification: Benign. Review status: criteria provided, single submitter. Criteria: ACMG Guidelines, 2015. Collection method: not provided. Allele origin: germline. Inheritance: Autosomal dominant inheritance. Affected: yes.

NM_001958.5(EEF1A2):c.1326G>A (p.Glu442=)

Gene: EEF1A2 (eukaryotic translation elongation factor 1 alpha 2; minus strand). Cytogenetic location: 20q13.33.
Variant type: single nucleotide variant.
Coding change: c.1326G>A on transcript NM_001958.5 (MANE Select); coding-DNA position 1326, G replaced by A.
Protein change: p.Glu442=; no amino-acid change (glutamic acid 442 retained).
Molecular consequence: synonymous variant.
Genome position (GRCh38, 1-based): chr20:63,488,364, C>T on the plus strand (G>A on the coding strand, the complement: EEF1A2 is on the minus strand). VCF-style: chr20-63488364-C-T. GRCh37 (hg19) VCF-style: chr20-62119717-C-T.
Other names: p.Glu442=.
Identifiers: ClinVar variation 380904 (VCV000380904.18), dbSNP rs1042796, ClinGen allele CA9958916.